The following is an entry in ClinVar:

NM_000540.3(RYR1):c.11512T>G (p.Cys3838Gly)

Gene: RYR1 (ryanodine receptor 1; plus strand). Cytogenetic location: 19q13.2.
Variant type: single nucleotide variant.
Coding change: c.11512T>G on transcript NM_000540.3 (MANE Select); coding-DNA position 11512, T replaced by G.
Protein change: p.Cys3838Gly; replaces cysteine 3838 with glycine.
Molecular consequence: missense variant.
Genome position (GRCh38, 1-based): chr19:38,535,388, T>G. VCF-style: chr19-38535388-T-G. GRCh37 (hg19) VCF-style: chr19-39026028-T-G.
Other names: c.11497T>G, p.Cys3833Gly (NM_001042723.2); short protein forms C3833G, C3838G.
Identifiers: ClinVar variation 3069292 (VCV003069292.3), dbSNP rs1971921785, ClinGen allele CA405656216.

ClinVar aggregate classification (germline): Uncertain significance. Review status: criteria provided, multiple submitters, no conflicts (2 of 4 stars). 3 submissions from 3 submitters: Uncertain significance (3). Last evaluated 2025-12-27.

Conditions:
RYR1-related disorder. Also called: RYR1-related condition; RYR1-related disorders. Identifiers: MedGen CN239331.
Malignant hyperthermia, susceptibility to, 1 (MHS1). Also called: RYR1-Related Malignant Hyperthermia Susceptibility; Anesthesia related hyperthermia; Malignant hyperpyrexia; Fulminating hyperpyrexia; Pharmacogenic myopathy; Malignant hyperthermia suceptibility 1. Identifiers: Orphanet 423, MedGen C2930980, MONDO:0007783, OMIM 145600.
Inborn genetic diseases. Identifiers: MedGen C0950123, MeSH D030342.

Allele frequency attached by ClinVar (database versions not stated): TOPMed below 0.00001.
gnomAD v4.1: 1 of 1,613,156 alleles (0.000062%); no homozygotes.

Submissions (3):

Labcorp Genetics (formerly Invitae), Labcorp
Classification: Uncertain significance for RYR1-related disorder. Last evaluated: 2025-12-27. Review status: criteria provided, single submitter. Criteria: Invitae Variant Classification Sherloc (09022015). Collection method: clinical testing. Allele origin: germline.
Comment: This sequence change replaces cysteine, which is neutral and slightly polar, with glycine, which is neutral and non-polar, at codon 3838 of the RYR1 protein (p.Cys3838Gly). This variant is not present in population databases (gnomAD no frequency). This variant has not been reported in the literature in individuals affected with RYR1-related conditions. ClinVar contains an entry for this variant (Variation ID: 3069292). Invitae Evidence Modeling of protein sequence and biophysical properties (such as structural, functional, and spatial information, amino acid conservation, physicochemical variation, residue mobility, and thermodynamic stability) indicates that this missense variant is expected to disrupt RYR1 protein function with a positive predictive value of 80%. In summary, the available evidence is currently insufficient to determine the role of this variant in disease. Therefore, it has been classified as a Variant of Uncertain Significance.

Ambry Genetics
Classification: Uncertain significance for Inborn genetic diseases. Last evaluated: 2024-03-15. Review status: criteria provided, single submitter. Criteria: Ambry Variant Classification Scheme 2023. Collection method: clinical testing. Allele origin: germline.

All of Us Research Program, National Institutes of Health
Classification: Uncertain significance for Malignant hyperthermia, susceptibility to, 1. Last evaluated: 2023-08-15. Review status: criteria provided, single submitter. Criteria: ACMG Guidelines, 2015. Collection method: clinical testing. Allele origin: germline. Inheritance: Autosomal dominant inheritance. Observed: 2 variant alleles, 2 heterozygotes.
Comment: This study involves interpretation of variants in research participants for the purpose of population health screening. Participant phenotype was not available at the time of variant classification. Additional details can be found in publication PMID: 35346344, PMCID: PMC8962531